The following is an entry in ClinVar:

NM_033380.3(COL4A5):c.2464G>A (p.Gly822Arg)

Gene: COL4A5 (collagen type IV alpha 5 chain; plus strand). Cytogenetic location: Xq22.3.
Variant type: single nucleotide variant.
Coding change: c.2464G>A on transcript NM_033380.3 (MANE Select); coding-DNA position 2464, G replaced by A.
Protein change: p.Gly822Arg; replaces glycine 822 with arginine.
Molecular consequence: missense variant.
Genome position (GRCh38, 1-based): chrX:108,614,979, G>A. VCF-style: chrX-108614979-G-A. GRCh37 (hg19) VCF-style: chrX-107858209-G-A.
Other names: c.2464G>A (NM_033380.1); c.2464G>A, p.Gly822Arg (NM_000495.5); short protein forms G822R.
Identifiers: ClinVar variation 930190 (VCV000930190.10), dbSNP rs104886184, ClinGen allele CA413850012.

ClinVar aggregate classification (germline): Pathogenic/Likely pathogenic. Review status: criteria provided, multiple submitters, no conflicts (2 of 4 stars). 4 submissions from 4 submitters: Pathogenic (1); Likely pathogenic (3). Last evaluated 2026-01-15.

Conditions:
X-linked Alport syndrome (ATS1). Also called: NEPHROPATHY AND DEAFNESS, X-LINKED; COL4A5-Related Nephropathy. Identifiers: Orphanet 63, Orphanet 88917, MedGen C4746986, MONDO:0010520, OMIM 301050.
Alport syndrome. Also called: Hemorrhagic familial nephritis; Hemorrhagic hereditary nephritis; Congenital hereditary hematuria. Identifiers: Orphanet 63, MedGen C1567741, MONDO:0018965.

Submissions (4):

GeneDx
Classification: Likely pathogenic. Last evaluated: 2026-01-15. Review status: criteria provided, single submitter. Criteria: GeneDx Variant Classification Process June 2021. Collection method: clinical testing. Allele origin: germline.
Comment: Not observed at significant frequency in large population cohorts (gnomAD); In silico analysis supports that this missense variant has a deleterious effect on protein structure/function; This variant is associated with the following publications: (PMID: 10563487)

Molecular Genetics McLendon Clinical Laboratories, University of North Carolina at Chapel Hill
Classification: Likely pathogenic for X-linked Alport syndrome. Last evaluated: 2023-07-31. Review status: criteria provided, single submitter. Criteria: ACMG Guidelines, 2015. Collection method: clinical testing. Allele origin: germline.

Labcorp Genetics (formerly Invitae), Labcorp
Classification: Pathogenic. Last evaluated: 2023-05-08. Review status: criteria provided, single submitter. Criteria: Invitae Variant Classification Sherloc (09022015). Collection method: clinical testing. Allele origin: germline.
Comment: ClinVar contains an entry for this variant (Variation ID: 930190). For these reasons, this variant has been classified as Pathogenic. This variant disrupts the triple helix domain of COL4A5. Glycine residues within the Gly-Xaa-Yaa repeats of the triple helix domain are required for the structure and stability of fibrillar collagens (PMID: 7695699, 8218237, 19344236). In COL4A5, missense variants at these glycine residues are significantly enriched in individuals with disease (PMID: 23720012, 27627812) compared to the general population (ExAC). Advanced modeling of protein sequence and biophysical properties (such as structural, functional, and spatial information, amino acid conservation, physicochemical variation, residue mobility, and thermodynamic stability) performed at Invitae indicates that this missense variant is expected to disrupt COL4A5 protein function. This missense change has been observed in individuals with clinical features of Alport syndrome (PMID: 10563487; Invitae). This variant is not present in population databases (gnomAD no frequency). This sequence change replaces glycine, which is neutral and non-polar, with arginine, which is basic and polar, at codon 822 of the COL4A5 protein (p.Gly822Arg).

UNC Molecular Genetics  Laboratory, University of North Carolina at Chapel Hill
Classification: Likely pathogenic for Alport syndrome. Last evaluated: 2018-03-15. Review status: criteria provided, single submitter. Criteria: ACMG Guidelines, 2015. Collection method: clinical testing. Allele origin: germline. Affected: yes. Observed: 1 heterozygote.

Literature cited by the submitters: PubMed 7695699 (cited by Labcorp Genetics (formerly Invitae), Labcorp); PubMed 8218237 (cited by Labcorp Genetics (formerly Invitae), Labcorp); PubMed 19344236 (cited by Labcorp Genetics (formerly Invitae), Labcorp); PubMed 23720012 (cited by Labcorp Genetics (formerly Invitae), Labcorp); PubMed 27627812 (cited by Labcorp Genetics (formerly Invitae), Labcorp); PubMed 10563487 (cited by Labcorp Genetics (formerly Invitae), Labcorp and UNC Molecular Genetics  Laboratory, University of North Carolina at Chapel Hill).